The following is an entry in ClinVar:

NM_000141.5(FGFR2):c.1213A>G (p.Lys405Glu)

Gene: FGFR2 (fibroblast growth factor receptor 2; minus strand). Cytogenetic location: 10q26.13.
Variant type: single nucleotide variant.
Coding change: c.1213A>G on transcript NM_000141.5 (MANE Select); coding-DNA position 1213, A replaced by G.
Protein change: p.Lys405Glu; replaces lysine 405 with glutamic acid.
Molecular consequence: missense variant. On other transcripts: non-coding transcript variant (1), intron variant (1).
Genome position (GRCh38, 1-based): chr10:121,515,191, T>C on the plus strand (A>G on the coding strand, the complement: FGFR2 is on the minus strand). VCF-style: chr10-121515191-T-C. GRCh37 (hg19) VCF-style: chr10-123274705-T-C.
Other names: c.1216A>G, p.Lys406Glu (NM_001144913.1, NM_022970.4); c.877A>G, p.Lys293Glu (NM_001144914.1); c.946A>G, p.Lys316Glu (NM_001144915.2, NM_023029.3); c.868A>G, p.Lys290Glu (NM_001144916.2, NM_001144918.2); c.949A>G, p.Lys317Glu (NM_001144919.2); c.529A>G, p.Lys177Glu (NM_001320654.2); c.1213A>G, p.Lys405Glu (NM_001320658.2); c.939+4788A>G (NM_001144917.2); short protein forms K290E, K293E, K177E, K317E, K406E, K316E, K405E.
Identifiers: ClinVar variation 877638 (VCV000877638.5), dbSNP rs772986332, ClinGen allele CA5720815.

ClinVar aggregate classification (germline): Conflicting classifications of pathogenicity. Review status: criteria provided, conflicting classifications (1 of 4 stars). 6 submissions from 2 submitters: Uncertain significance (2); Benign (3); Likely benign (1). Last evaluated 2024-03-07.

Conditions:
Acrocephalosyndactyly type I (ACS1). Also called: Acrocephalo-syndactyly type 1; ACS 1; Syndactylic oxycephaly; Apert syndrome. Identifiers: Orphanet 87, MedGen C0001193, MONDO:0007041, OMIM 101200.
Jackson-Weiss syndrome (JWS). Also called: CRANIOSYNOSTOSIS, MIDFACIAL HYPOPLASIA, AND FOOT ABNORMALITIES. Identifiers: Orphanet 1540, MedGen C0795998, MONDO:0007400, OMIM 123150. Disease mechanism: loss of function.
Bent bone dysplasia syndrome 1 (BBDS1). Also called: FGFR2-related bent bone dysplasia. Identifiers: Orphanet 313855, MedGen C3281247, MONDO:0013815, OMIM 614592.
LADD syndrome 1 (LADD1). Also called: Lacrimoauriculodentodigital syndrome 1. Identifiers: MedGen C5774323, MONDO:0100302, OMIM 149730.
Gastric cancer. Also called: Malignant tumor of stomach; Stomach cancer. Identifiers: MedGen C0024623, MeSH D013274, MONDO:0001056, OMIM 613659, HP:0012126.
Saethre-Chotzen syndrome (SCS). Also called: ACROCEPHALY, SKULL ASYMMETRY, AND MILD SYNDACTYLY; ACS III; CHOTZEN SYNDROME. Identifiers: Orphanet 794, MedGen C0175699, MONDO:0007042, OMIM 101400.
Familial scaphocephaly syndrome, McGillivray type. Also called: SCAPHOCEPHALY, MAXILLARY RETRUSION, AND IMPAIRED INTELLECTUAL DEVELOPMENT. Identifiers: Orphanet 168624, MedGen C1865070, MONDO:0012307, OMIM 609579.
Beare-Stevenson cutis gyrata syndrome (BSTVS). Identifiers: Orphanet 1555, MedGen C1852406, MONDO:0007412, OMIM 123790.
Antley-Bixler syndrome without genital anomalies or disordered steroidogenesis (ABS2). Also called: Trapezoidocephaly synostosis syndrome; Osteodysgenesis, multisynostotic with fractures; Antley-Bixler Syndrome, Autosomal Dominant; MULTISYNOSTOTIC OSTEODYSGENESIS WITH LONG BONE FRACTURES. Identifiers: Orphanet 596008, Orphanet 83, MedGen C2936791, MONDO:0020667, OMIM 207410.
Crouzon syndrome. Also called: Craniofacial dysostosis type 1; Crouzon craniofacial dysostosis; Crouzon disease; Craniofacial dysostosis; CRANIOFACIAL DYSOSTOSIS, TYPE I. Identifiers: Orphanet 207, MedGen C0010273, MeSH D003394, MONDO:0007405, OMIM 123500, HP:0004439.
Pfeiffer syndrome (ACS5). Also called: ACS V. Identifiers: Orphanet 710, MedGen C0220658, MONDO:0007043, OMIM 101600.
Isolated Coronal Synostosis. Identifiers: MedGen CN043619.
Craniosynostosis syndrome. Also called: Craniosynostosis. Identifiers: Orphanet 1531, MedGen C0010278, MeSH D003398, MONDO:0015469, HP:0001363.

Allele frequency attached by ClinVar (database versions not stated): gnomAD exomes 0.00001 and 0.00002; ExAC 0.00002; TOPMed 0.00003; gnomAD 0.00001.
gnomAD v4.1: 11 of 1,614,104 alleles (0.00068%); highest among the groups gnomAD compares: East Asian, 0.022%; no homozygotes.

Submissions (6):

Fulgent Genetics
Classification: Uncertain significance for Acrocephalosyndactyly type I; Saethre-Chotzen syndrome; Pfeiffer syndrome; Jackson-Weiss syndrome; Crouzon syndrome; Beare-Stevenson cutis gyrata syndrome; LADD syndrome 1; Antley-Bixler syndrome without genital anomalies or disordered steroidogenesis; Familial scaphocephaly syndrome, McGillivray type; Gastric cancer; Bent bone dysplasia syndrome 1. Last evaluated: 2024-03-07. Review status: criteria provided, single submitter. Criteria: ACMG Guidelines, 2015. Collection method: clinical testing. Allele origin: germline.

Illumina Laboratory Services, Illumina
Classification: Uncertain significance for Isolated coronal synostosis. Last evaluated: 2018-01-13. Review status: criteria provided, single submitter. Criteria: ICSL Variant Classification Criteria 13 December 2019. Collection method: clinical testing. Allele origin: germline.

Illumina Laboratory Services, Illumina
Classification: Likely benign for Saethre-Chotzen syndrome. Last evaluated: 2018-01-13. Review status: criteria provided, single submitter. Criteria: ICSL Variant Classification Criteria 13 December 2019. Collection method: clinical testing. Allele origin: germline.
Comment: This variant was observed in the ICSL laboratory as part of a predisposition screen in an ostensibly healthy population. It had not been previously curated by ICSL or reported in the Human Gene Mutation Database (HGMD: prior to June 1st, 2018), and was therefore a candidate for classification through an automated scoring system. Utilizing variant allele frequency, disease prevalence and penetrance estimates, and inheritance mode, an automated score was calculated to assess if this variant is too frequent to cause the disease. Based on the score and internal cut-off values, a variant classified as likely benign is not then subjected to further curation. The score for this variant resulted in a classification of likely benign for this disease.

Illumina Laboratory Services, Illumina
Classification: Benign for Craniosynostosis. Last evaluated: 2018-01-13. Review status: criteria provided, single submitter. Criteria: ICSL Variant Classification Criteria 13 December 2019. Collection method: clinical testing. Allele origin: germline.
Comment: This variant was observed in the ICSL laboratory as part of a predisposition screen in an ostensibly healthy population. It had not been previously curated by ICSL or reported in the Human Gene Mutation Database (HGMD: prior to June 1st, 2018), and was therefore a candidate for classification through an automated scoring system. Utilizing variant allele frequency, disease prevalence and penetrance estimates, and inheritance mode, an automated score was calculated to assess if this variant is too frequent to cause the disease. Based on the score and internal cut-off values, a variant classified as benign is not then subjected to further curation. The score for this variant resulted in a classification of benign for this disease.

Illumina Laboratory Services, Illumina
Classification: Benign for Crouzon syndrome. Last evaluated: 2018-01-13. Review status: criteria provided, single submitter. Criteria: ICSL Variant Classification Criteria 13 December 2019. Collection method: clinical testing. Allele origin: germline.
Comment: the same text as in the submission from Illumina Laboratory Services, Illumina above.

Illumina Laboratory Services, Illumina
Classification: Benign for Beare-Stevenson cutis gyrata syndrome. Last evaluated: 2018-01-13. Review status: criteria provided, single submitter. Criteria: ICSL Variant Classification Criteria 13 December 2019. Collection method: clinical testing. Allele origin: germline.
Comment: the same text as in the submission from Illumina Laboratory Services, Illumina above.